The following is an entry in ClinVar:

NM_000036.3(AMPD1):c.1761G>A (p.Met587Ile)

Gene: AMPD1 (adenosine monophosphate deaminase 1; minus strand). Cytogenetic location: 1p13.2.
Variant type: single nucleotide variant.
Coding change: c.1761G>A on transcript NM_000036.3 (MANE Select); coding-DNA position 1761, G replaced by A.
Protein change: p.Met587Ile; replaces methionine 587 with isoleucine.
Molecular consequence: missense variant.
Genome position (GRCh38, 1-based): chr1:114,674,791, C>T on the plus strand (G>A on the coding strand, the complement: AMPD1 is on the minus strand). VCF-style: chr1-114674791-C-T. GRCh37 (hg19) VCF-style: chr1-115217412-C-T.
Other names: c.1860G>A (NM_000036.2); c.1749G>A, p.Met583Ile (NM_001172626.2); short protein forms M583I, M587I.
Identifiers: ClinVar variation 1431266 (VCV001431266.4), dbSNP rs1422341304, ClinGen allele CA341745954.

ClinVar aggregate classification (germline): Uncertain significance. Review status: criteria provided, multiple submitters, no conflicts (2 of 4 stars). 2 submissions from 2 submitters: Uncertain significance (2). Last evaluated 2025-08-14.

Conditions:
Muscle AMP deaminase deficiency (MMDD). Also called: ADENOSINE MONOPHOSPHATE DEAMINASE-1 DEFICIENCY, MYOPATHY DUE TO; AMPD1 DEFICIENCY; Myoadenylate deaminase deficiency, myopathy due to; Adenosine monophosphate deaminase 1 deficiency; AMP deaminase 1 deficiency; Adenosine Monophosphate Deaminase 1. Identifiers: Orphanet 45, MedGen C3714933, MONDO:0014220, OMIM 615511.
Inborn genetic diseases. Identifiers: MedGen C0950123, MeSH D030342.

Allele frequency attached by ClinVar (database versions not stated): gnomAD exomes below 0.00001; gnomAD 0.00001; TOPMed 0.00002.
gnomAD v4.1: 4 of 1,613,704 alleles (0.00025%); highest among the groups gnomAD compares: Non-Finnish European, 0.00034%; no homozygotes.

Submissions (2):

Ambry Genetics
Classification: Uncertain significance for Inborn genetic diseases. Last evaluated: 2025-08-14. Review status: criteria provided, single submitter. Criteria: Ambry Variant Classification Scheme 2023. Collection method: clinical testing. Allele origin: germline.

Labcorp Genetics (formerly Invitae), Labcorp
Classification: Uncertain significance for Muscle AMP deaminase deficiency. Last evaluated: 2022-06-27. Review status: criteria provided, single submitter. Criteria: Invitae Variant Classification Sherloc (09022015). Collection method: clinical testing. Allele origin: germline.
Comment: This sequence change replaces methionine, which is neutral and non-polar, with isoleucine, which is neutral and non-polar, at codon 620 of the AMPD1 protein (p.Met620Ile). This variant is present in population databases (no rsID available, gnomAD 0.0009%). This variant has not been reported in the literature in individuals affected with AMPD1-related conditions. Algorithms developed to predict the effect of missense changes on protein structure and function (SIFT, PolyPhen-2, Align-GVGD) all suggest that this variant is likely to be tolerated. In summary, the available evidence is currently insufficient to determine the role of this variant in disease. Therefore, it has been classified as a Variant of Uncertain Significance.